The following is an entry in ClinVar:

NM_001378454.1(ALMS1):c.10958A>G (p.Asp3653Gly)

Gene: ALMS1 (ALMS1 centrosome and basal body associated protein; plus strand). Cytogenetic location: 2p13.1.
Variant type: single nucleotide variant.
Coding change: c.10958A>G on transcript NM_001378454.1 (MANE Select); coding-DNA position 10958, A replaced by G.
Protein change: p.Asp3653Gly; replaces aspartic acid 3653 with glycine.
Molecular consequence: missense variant.
Genome position (GRCh38, 1-based): chr2:73,572,835, A>G. VCF-style: chr2-73572835-A-G. GRCh37 (hg19) VCF-style: chr2-73799962-A-G.
Other names: c.10961A>G, p.Asp3654Gly (NM_015120.4); short protein forms D3653G, D3654G.
Identifiers: ClinVar variation 1707205 (VCV001707205.2), dbSNP rs2466445415, ClinGen allele CA347286466.

ClinVar aggregate classification (germline): Uncertain significance (1 of 4 stars; one submission).

Allele frequency attached by ClinVar (database versions not stated): gnomAD exomes below 0.00001.
gnomAD v4.1: 1 of 1,614,120 alleles (0.000062%); highest among the groups gnomAD compares: Non-Finnish European, 0.000085%; no homozygotes.

Submission:

GeneDx
Classification: Uncertain significance. Last evaluated: 2022-03-23. Review status: criteria provided, single submitter. Criteria: GeneDx Variant Classification Process June 2021. Collection method: clinical testing. Allele origin: germline. Affected: yes.
Comment: Has not been previously published as pathogenic or benign to our knowledge; Not observed at significant frequency in large population cohorts (gnomAD); In silico analysis supports that this missense variant has a deleterious effect on protein structure/function